The following is an entry in ClinVar:

ClinVar aggregate classification (germline): Likely benign. Review status: criteria provided, multiple submitters, no conflicts (2 of 4 stars). 3 submissions from 3 submitters: Likely benign (3). Last evaluated 2025-12-03.

Conditions:
FG syndrome (FGS). Identifiers: MedGen C0220769, MONDO:0002010.
Familial thoracic aortic aneurysm and aortic dissection (TAAD). Also called: Thoracic aortic aneurysms and dissections. Identifiers: Orphanet 91387, MedGen C4707243, MONDO:0019625.

Allele frequency attached by ClinVar (database versions not stated): gnomAD 0.00002; gnomAD exomes 0.00004; TOPMed 0.00006; ExAC 0.00007.
gnomAD v4.1: 37 of 1,200,777 alleles (0.0031%); highest among the groups gnomAD compares: Non-Finnish European, 0.0041%; no homozygotes.

Submissions (3):

Labcorp Genetics (formerly Invitae), Labcorp
Classification: Likely benign for FG syndrome. Last evaluated: 2025-12-03. Review status: criteria provided, single submitter. Criteria: Invitae Variant Classification Sherloc (09022015). Collection method: clinical testing. Allele origin: germline.

Ambry Genetics
Classification: Likely benign for Familial thoracic aortic aneurysm and aortic dissection. Last evaluated: 2023-10-12. Review status: criteria provided, single submitter. Criteria: Ambry Variant Classification Scheme 2023. Collection method: clinical testing. Allele origin: germline.

GeneDx
Classification: Likely benign. Last evaluated: 2017-10-02. Review status: criteria provided, single submitter. Criteria: GeneDx Variant Classification (06012015). Collection method: clinical testing. Allele origin: germline. Affected: yes.
Comment: This variant is considered likely benign or benign based on one or more of the following criteria: it is a conservative change, it occurs at a poorly conserved position in the protein, it is predicted to be benign by multiple in silico algorithms, and/or has population frequency not consistent with disease.

NM_005120.3(MED12):c.5510G>C (p.Gly1837Ala)

Gene: MED12 (mediator complex subunit 12; plus strand). Cytogenetic location: Xq13.1.
Variant type: single nucleotide variant.
Coding change: c.5510G>C on transcript NM_005120.3 (MANE Select); coding-DNA position 5510, G replaced by C.
Protein change: p.Gly1837Ala; replaces glycine 1837 with alanine.
Molecular consequence: missense variant.
Genome position (GRCh38, 1-based): chrX:71,136,988, G>C. VCF-style: chrX-71136988-G-C. GRCh37 (hg19) VCF-style: chrX-70356838-G-C.
Other names: short protein forms G1837A.
Identifiers: ClinVar variation 213615 (VCV000213615.10), dbSNP rs200328506, ClinGen allele CA322049.